The following is an entry in ClinVar:

ClinVar aggregate classification (germline): Uncertain significance (1 of 4 stars; one submission).

Conditions:
Hereditary cancer-predisposing syndrome. Also called: Neoplastic Syndromes, Hereditary; Tumor predisposition; Hereditary Cancer Syndrome; Hereditary neoplastic syndrome. Identifiers: Orphanet 140162, MedGen C0027672, MeSH D009386, MONDO:0015356.

Submission:

Ambry Genetics
Classification: Uncertain significance for Hereditary cancer-predisposing syndrome. Last evaluated: 2022-04-27. Review status: criteria provided, single submitter. Criteria: Ambry Variant Classification Scheme 2023. Collection method: clinical testing. Allele origin: germline.
Comment: The p.S643Y variant (also known as c.1928C>A), located in coding exon 14 of the APC gene, results from a C to A substitution at nucleotide position 1928. The serine at codon 643 is replaced by tyrosine, an amino acid with dissimilar properties. This amino acid position is conserved. In addition, in silico predictors for this gene do not accurately predict pathogenicity. Since supporting evidence is limited at this time, the clinical significance of this alteration remains unclear.

NM_000038.6(APC):c.1928C>A (p.Ser643Tyr)

Gene: APC (APC regulator of Wnt signaling pathway; plus strand). Cytogenetic location: 5q22.2.
Variant type: single nucleotide variant.
Coding change: c.1928C>A on transcript NM_000038.6 (MANE Select); coding-DNA position 1928, C replaced by A.
Protein change: p.Ser643Tyr; replaces serine 643 with tyrosine.
Molecular consequence: missense variant.
Genome position (GRCh38, 1-based): chr5:112,835,135, C>A. VCF-style: chr5-112835135-C-A. GRCh37 (hg19) VCF-style: chr5-112170832-C-A.
Other names: c.1928C>A, p.Ser643Tyr (NM_001127510.3, NM_001354895.2, NM_001407450.1); c.1874C>A, p.Ser625Tyr (NM_001127511.3); c.1982C>A, p.Ser661Tyr (NM_001354896.2, NM_001407447.1, NM_001407448.1 and 1 more transcripts); c.1958C>A, p.Ser653Tyr (NM_001354897.2); c.1853C>A, p.Ser618Tyr (NM_001354898.2); c.1844C>A, p.Ser615Tyr (NM_001354899.2); c.1805C>A, p.Ser602Tyr (NM_001354900.2); c.1751C>A, p.Ser584Tyr (NM_001354901.2, NM_001407453.1); and 11 more; short protein forms S517Y, S542Y, S552Y, S661Y, S514Y, S643Y, S653Y, S259Y.
Identifiers: ClinVar variation 1782798 (VCV001782798.2), dbSNP rs1060503291, ClinGen allele CA16025527.